The following is an entry in ClinVar:

ClinVar aggregate classification (germline): Uncertain significance. Review status: criteria provided, single submitter (1 of 4 stars). 2 submissions from 2 submitters: Uncertain significance (1). 1 of the submissions does not count toward it.

Conditions:
Polycystic kidney disease, adult type (PKD1). Also called: POLYCYSTIC KIDNEY DISEASE 1 WITH OR WITHOUT POLYCYSTIC LIVER DISEASE; Polycystic Kidney Disease 1, Autosomal Dominant; Polycystic kidney disease 1; Polycystic kidney disease 1, severe; POLYCYSTIC KIDNEY DISEASE, ADULT, TYPE I; Polycystic Kidney, Autosomal Dominant. Identifiers: MedGen C3149841, MONDO:0008263, OMIM 173900.
Autosomal dominant polycystic kidney disease. Identifiers: Orphanet 730, MedGen C0085413, MONDO:0004691.

Submissions (2):

Juno Genomics, Hangzhou Juno Genomics, Inc
Classification: Uncertain significance for Polycystic kidney disease, adult type. Review status: criteria provided, single submitter. Criteria: ACMG Guidelines, 2015. Collection method: clinical testing. Allele origin: germline. Affected: yes.
Comment: Absent from controls (or at extremely low frequency if recessive) in Genome Aggregation Database, Exome Sequencing Project, 1000 Genomes Project, or Exome Aggregation Consortium.;Null variant in a gene where loss of function (LOF) is a known mechanism of disease.

Laboratory of Gastroenterology and Hepatology, Radboud University Medical Center
Classification: Pathogenic for Autosomal dominant polycystic kidney disease. Last evaluated: 2021-09-01. Review status: no assertion criteria provided. Collection method: research. Allele origin: germline. Affected: yes. Not counted in ClinVar's aggregate classification.

NM_001009944.3(PKD1):c.9569-1G>C

Gene: PKD1 (polycystin 1, transient receptor potential channel interacting; minus strand). Cytogenetic location: 16p13.3.
Variant type: single nucleotide variant.
Coding change: c.9569-1G>C on transcript NM_001009944.3 (MANE Select); the canonical splice acceptor site of the intron before coding-DNA position 9569, G replaced by C.
Molecular consequence: splice acceptor variant.
Genome position (GRCh38, 1-based): chr16:2,100,310, C>G on the plus strand (G>C on the coding strand, the complement: PKD1 is on the minus strand). VCF-style: chr16-2100310-C-G. GRCh37 (hg19) VCF-style: chr16-2150311-C-G.
Other names: c.9569-1G>C (NM_000296.4).
Identifiers: ClinVar variation 1255676 (VCV001255676.3), dbSNP rs2151741177, ClinGen allele CA394355635.